The following is an entry in ClinVar:

ClinVar aggregate classification (germline): Uncertain significance (1 of 4 stars; one submission).

gnomAD v4.1: 2 of 1,613,888 alleles (0.00012%); highest among the groups gnomAD compares: Non-Finnish European, 0.00017%; no homozygotes.

Submission:

GeneDx
Classification: Uncertain significance. Last evaluated: 2024-06-10. Review status: criteria provided, single submitter. Criteria: GeneDx Variant Classification Process June 2021. Collection method: clinical testing. Allele origin: germline. Affected: yes.
Comment: Not observed at significant frequency in large population cohorts (gnomAD); In silico analysis indicates that this missense variant does not alter protein structure/function; Has not been previously published as pathogenic or benign to our knowledge

NM_000091.5(COL4A3):c.580G>C (p.Val194Leu)

Genes: COL4A3 (collagen type IV alpha 3 chain; plus strand), MFF-DT (MFF divergent transcript; minus strand). Cytogenetic location: 2q36.3.
Variant type: single nucleotide variant.
Coding change: c.580G>C on transcript NM_000091.5 (MANE Select); coding-DNA position 580, G replaced by C.
Protein change: p.Val194Leu; replaces valine 194 with leucine.
Molecular consequence: missense variant.
Genome position (GRCh38, 1-based): chr2:227,251,173, G>C. VCF-style: chr2-227251173-G-C. GRCh37 (hg19) VCF-style: chr2-228115889-G-C.
Other names: short protein forms V194L.
Identifiers: ClinVar variation 3390765 (VCV003390765.1).